The following is an entry in ClinVar:

NM_000113.3(TOR1A):c.349_352delinsTAGT (p.Glu117_Asn118delinsTer)

Gene: TOR1A (torsin family 1 member A; minus strand). Cytogenetic location: 9q34.11.
Variant type: Indel.
Coding change: c.349_352delinsTAGT on transcript NM_000113.3 (MANE Select); coding-DNA positions 349 to 352, GAGA replaced by TAGT.
Protein change: p.Glu117_Asn118delinsTer.
Molecular consequence: nonsense.
Genome position (GRCh38, 1-based): chr9:129,822,673-129,822,676, TCTC replaced by ACTA on the plus strand (GAGA replaced by TAGT on the coding strand, the reverse complement: TOR1A is on the minus strand). VCF-style: chr9-129822673-TCTC-ACTA. GRCh37 (hg19) VCF-style: chr9-132584952-TCTC-ACTA.
Identifiers: ClinVar variation 4813706 (VCV004813706.1).

ClinVar aggregate classification (germline): Pathogenic (1 of 4 stars; one submission).

Conditions:
Arthrogryposis multiplex congenita 5. Identifiers: MedGen C5436453, MONDO:0100218, OMIM 618947.

Submission:

Variantyx, Inc.
Classification: Pathogenic for Arthrogryposis multiplex congenita 5. Last evaluated: 2025-06-05. Review status: criteria provided, single submitter. Criteria: Variantyx Assertion Criteria 2022. Collection method: clinical testing. Allele origin: germline. Inheritance: Autosomal recessive inheritance. Affected: yes.
Comment: This is a nonsense variant in the TOR1A gene (OMIM: 605204). Pathogenic variants in this gene have been associated with autosomal recessive arthrogryposis multiplex congenita 5. This variant introduces a premature termination codon in exon 2 out of 5 and is expected to result in loss of function, which is a known disease mechanism for TOR1A in this disorder (PMID: 29053766, 28516161, 30244176) (PVS1). This variant is absent from control populations (PM2) and has been observed to segregate with disease in a sibling in whom clinical symptoms were highly specific for autosomal recessive arthrogryposis multiplex congenita 5, which has a limited genetic etiology (PP4). Based on the current evidence, this variant is classified as pathogenic for autosomal recessive arthrogryposis multiplex congenita 5.

Literature cited by the submitters: PubMed 29053766; PubMed 28516161; PubMed 30244176.